The following is an entry in ClinVar:

NM_177438.3(DICER1):c.5587G>T (p.Glu1863Ter)

Gene: DICER1 (dicer 1, ribonuclease III; minus strand). Cytogenetic location: 14q32.13.
Variant type: single nucleotide variant.
Coding change: c.5587G>T on transcript NM_177438.3 (MANE Select); coding-DNA position 5587, G replaced by T.
Protein change: p.Glu1863Ter; replaces glutamic acid 1863 with a stop codon.
Molecular consequence: nonsense. On other transcripts: missense variant (1).
Genome position (GRCh38, 1-based): chr14:95,091,050, C>A on the plus strand (G>T on the coding strand, the complement: DICER1 is on the minus strand). VCF-style: chr14-95091050-C-A. GRCh37 (hg19) VCF-style: chr14-95557387-C-A.
Other names: c.5424G>T, p.Gln1808His (NM_001195573.1); c.5587G>T, p.Glu1863Ter (NM_001271282.3, NM_001291628.2, NM_030621.4); short protein forms E1863*, Q1808H.
Identifiers: ClinVar variation 1044801 (VCV001044801.8), dbSNP rs1889759738, ClinGen allele CA390864119.

ClinVar aggregate classification (germline): Uncertain significance (1 of 4 stars; one submission).

Conditions:
DICER1-related tumor predisposition. Also called: DICER1 syndrome; DICER1-related pleuropulmonary blastoma cancer predisposition syndrome. Identifiers: Orphanet 284343, MedGen C3839822, MONDO:0100216.

Submission:

Labcorp Genetics (formerly Invitae), Labcorp
Classification: Uncertain significance for DICER1-related tumor predisposition. Last evaluated: 2020-09-09. Review status: criteria provided, single submitter. Criteria: Invitae Variant Classification Sherloc (09022015). Collection method: clinical testing. Allele origin: germline.
Comment: Experimental studies and prediction algorithms are not available or were not evaluated, and the functional significance of this variant is currently unknown. In summary, the available evidence is currently insufficient to determine the role of this variant in disease. Therefore, it has been classified as a Variant of Uncertain Significance. This variant has not been reported in the literature in individuals with DICER1-related conditions. This variant is not present in population databases (ExAC no frequency). This sequence change results in a premature translational stop signal in the DICER1 gene (p.Glu1863*). While this is not anticipated to result in nonsense mediated decay, it is expected to disrupt the last 60 amino acids of the DICER1 protein.